The following is an entry in ClinVar:

NM_000088.4(COL1A1):c.1066G>A (p.Gly356Ser)

Gene: COL1A1 (collagen type I alpha 1 chain; minus strand). Cytogenetic location: 17q21.33.
Variant type: single nucleotide variant.
Coding change: c.1066G>A on transcript NM_000088.4 (MANE Select); coding-DNA position 1066, G replaced by A.
Protein change: p.Gly356Ser; replaces glycine 356 with serine.
Molecular consequence: missense variant.
Genome position (GRCh38, 1-based): chr17:50,195,656, C>T on the plus strand (G>A on the coding strand, the complement: COL1A1 is on the minus strand). VCF-style: chr17-50195656-C-T. GRCh37 (hg19) VCF-style: chr17-48273017-C-T.
Other names: short protein forms G356S.
Identifiers: ClinVar variation 2500570 (VCV002500570.1), dbSNP rs72645365, ClinGen allele CA400220239.

ClinVar aggregate classification (germline): Pathogenic (1 of 4 stars; one submission).

Submission:

GeneDx
Classification: Pathogenic. Last evaluated: 2022-11-01. Review status: criteria provided, single submitter. Criteria: GeneDx Variant Classification Process June 2021. Collection method: clinical testing. Allele origin: germline. Affected: yes.
Comment: Occurs in the triple helical domain and replaces a glycine in a canonical Gly-X-Y repeat; missense substitution of a canonical glycine residue is expected to disrupt normal protein folding and function, and this is an established mechanism of disease (Jovanovic et al., 2021); Not observed at significant frequency in large population cohorts (gnomAD); In silico analysis supports that this missense variant has a deleterious effect on protein structure/function; This variant is associated with the following publications: (PMID: 34007986, 30715774)